The following is an entry in ClinVar:

ClinVar aggregate classification (germline): Likely pathogenic (1 of 4 stars; one submission).

Conditions:
Developmental and epileptic encephalopathy, 7 (DEE7). Also called: KCNQ2-Related Neonatal-Onset Developmental and Epileptic Encephalopathy (NEO-DEE); Early infantile epileptic encephalopathy 7; KCNQ2-Related Neonatal Epileptic Encephalopathy. Identifiers: Orphanet 439218, MedGen C3150986, MONDO:0013387, OMIM 613720.

Submission:

Institute of Human Genetics, University of Leipzig Medical Center
Classification: Likely pathogenic for Developmental and epileptic encephalopathy, 7. Last evaluated: 2024-02-06. Review status: criteria provided, single submitter. Criteria: ACMG Guidelines, 2015. Collection method: clinical testing. Allele origin: maternal. Inheritance: Autosomal dominant inheritance. Affected: yes.
Comment: Criteria applied: PM5_STR,PM1,PM2_SUP,PP3

NM_172107.4(KCNQ2):c.380A>T (p.Tyr127Phe)

Gene: KCNQ2 (potassium voltage-gated channel subfamily Q member 2; minus strand). Cytogenetic location: 20q13.33.
Variant type: single nucleotide variant.
Coding change: c.380A>T on transcript NM_172107.4 (MANE Select); coding-DNA position 380, A replaced by T.
Protein change: p.Tyr127Phe; replaces tyrosine 127 with phenylalanine.
Molecular consequence: missense variant.
Genome position (GRCh38, 1-based): chr20:63,446,754, T>A on the plus strand (A>T on the coding strand, the complement: KCNQ2 is on the minus strand). VCF-style: chr20-63446754-T-A. GRCh37 (hg19) VCF-style: chr20-62078107-T-A.
Other names: c.380A>T, p.Tyr127Phe (NM_001382235.1, NM_004518.6, NM_172106.3 and 2 more transcripts); short protein forms Y127F.
Identifiers: ClinVar variation 1697296 (VCV001697296.3), dbSNP rs796052617, ClinGen allele CA409656316.